The following is an entry in ClinVar:

ClinVar aggregate classification (germline): Uncertain significance. Review status: criteria provided, multiple submitters, no conflicts (2 of 4 stars). 2 submissions from 2 submitters: Uncertain significance (2). Last evaluated 2025-05-18.

Conditions:
Encephalopathy, acute, infection-induced (herpes-specific), susceptibility to, 6. Also called: Herpes simplex encephalitis, susceptibility to, 4. Identifiers: Orphanet 1930, MedGen C3553869, MONDO:0013921, OMIM 614850.

Submissions (2):

Labcorp Genetics (formerly Invitae), Labcorp
Classification: Uncertain significance for Encephalopathy, acute, infection-induced (herpes-specific), susceptibility to, 6. Last evaluated: 2025-05-18. Review status: criteria provided, single submitter. Criteria: Invitae Variant Classification Sherloc (09022015). Collection method: clinical testing. Allele origin: germline.
Comment: This sequence change replaces proline, which is neutral and non-polar, with serine, which is neutral and polar, at codon 632 of the TICAM1 protein (p.Pro632Ser). This variant is present in population databases (no rsID available, gnomAD 0.01%). This variant has not been reported in the literature in individuals affected with TICAM1-related conditions. ClinVar contains an entry for this variant (Variation ID: 3456453). An algorithm developed to predict the effect of missense changes on protein structure and function outputs the following: PolyPhen-2: "Benign". The serine amino acid residue is found in multiple mammalian species, which suggests that this missense change does not adversely affect protein function. In summary, the available evidence is currently insufficient to determine the role of this variant in disease. Therefore, it has been classified as a Variant of Uncertain Significance.

Ambry Genetics
Classification: Uncertain significance. Last evaluated: 2024-11-21. Review status: criteria provided, single submitter. Criteria: Ambry Variant Classification Scheme 2023. Collection method: clinical testing. Allele origin: germline.

NM_182919.4(TICAM1):c.1894C>T (p.Pro632Ser)

Gene: TICAM1 (TIR domain containing adaptor molecule 1; minus strand). Cytogenetic location: 19p13.3.
Variant type: single nucleotide variant.
Coding change: c.1894C>T on transcript NM_182919.4 (MANE Select); coding-DNA position 1894, C replaced by T.
Protein change: p.Pro632Ser; replaces proline 632 with serine.
Molecular consequence: missense variant.
Genome position (GRCh38, 1-based): chr19:4,816,484, G>A on the plus strand (C>T on the coding strand, the complement: TICAM1 is on the minus strand). VCF-style: chr19-4816484-G-A. GRCh37 (hg19) VCF-style: chr19-4816496-G-A.
Other names: c.1852C>T, p.Pro618Ser (NM_001385678.1); c.1759C>T, p.Pro587Ser (NM_001385679.1); c.1252C>T, p.Pro418Ser (NM_001385680.1); short protein forms P632S, P418S, P587S, P618S.
Identifiers: ClinVar variation 3456453 (VCV003456453.2).